The following is an entry in ClinVar:

NM_001710.6(CFB):c.488G>C (p.Gly163Ala)

Gene: CFB (complement factor B; plus strand). Cytogenetic location: 6p21.33.
Variant type: single nucleotide variant.
Coding change: c.488G>C on transcript NM_001710.6 (MANE Select); coding-DNA position 488, G replaced by C.
Protein change: p.Gly163Ala; replaces glycine 163 with alanine.
Molecular consequence: missense variant.
Genome position (GRCh38, 1-based): chr6:31,947,351, G>C. VCF-style: chr6-31947351-G-C. GRCh37 (hg19) VCF-style: chr6-31915128-G-C.
Other names: short protein forms G163A.
Identifiers: ClinVar variation 2068765 (VCV002068765.4), dbSNP rs2482679469, ClinGen allele CA363392062.

ClinVar aggregate classification (germline): Uncertain significance (1 of 4 stars; one submission).

Submission:

Labcorp Genetics (formerly Invitae), Labcorp
Classification: Uncertain significance. Last evaluated: 2024-11-04. Review status: criteria provided, single submitter. Criteria: Invitae Variant Classification Sherloc (09022015). Collection method: clinical testing. Allele origin: germline.
Comment: This sequence change replaces glycine, which is neutral and non-polar, with alanine, which is neutral and non-polar, at codon 163 of the CFB protein (p.Gly163Ala). This variant is not present in population databases (gnomAD no frequency). This variant has not been reported in the literature in individuals affected with CFB-related conditions. ClinVar contains an entry for this variant (Variation ID: 2068765). Invitae Evidence Modeling of protein sequence and biophysical properties (such as structural, functional, and spatial information, amino acid conservation, physicochemical variation, residue mobility, and thermodynamic stability) indicates that this missense variant is not expected to disrupt CFB protein function with a negative predictive value of 80%. In summary, the available evidence is currently insufficient to determine the role of this variant in disease. Therefore, it has been classified as a Variant of Uncertain Significance.